The following is an entry in ClinVar:

ClinVar aggregate classification (germline): Uncertain significance. Review status: criteria provided, multiple submitters, no conflicts (2 of 4 stars). 2 submissions from 2 submitters: Uncertain significance (2). Last evaluated 2025-10-10.

Conditions:
Inborn genetic diseases. Identifiers: MedGen C0950123, MeSH D030342.

Allele frequency attached by ClinVar (database versions not stated): ExAC 0.00002; gnomAD exomes 0.00005; TOPMed 0.00006; gnomAD 0.00007; ESP Exome Variant Server 0.00008.

Submissions (2):

Labcorp Genetics (formerly Invitae), Labcorp
Classification: Uncertain significance. Last evaluated: 2025-10-10. Review status: criteria provided, single submitter. Criteria: Invitae Variant Classification Sherloc (09022015). Collection method: clinical testing. Allele origin: germline.
Comment: This sequence change replaces arginine, which is basic and polar, with tryptophan, which is neutral and slightly polar, at codon 55 of the F12 protein (p.Arg55Trp). This variant is present in population databases (rs201132135, gnomAD 0.01%). This variant has not been reported in the literature in individuals affected with F12-related conditions. ClinVar contains an entry for this variant (Variation ID: 3091403). An algorithm developed to predict the effect of missense changes on protein structure and function outputs the following: PolyPhen-2: "Benign". The tryptophan amino acid residue is found in multiple mammalian species, which suggests that this missense change does not adversely affect protein function. In summary, the available evidence is currently insufficient to determine the role of this variant in disease. Therefore, it has been classified as a Variant of Uncertain Significance.

Ambry Genetics
Classification: Uncertain significance for Inborn genetic diseases. Last evaluated: 2024-11-08. Review status: criteria provided, single submitter. Criteria: Ambry Variant Classification Scheme 2023. Collection method: clinical testing. Allele origin: germline.

NM_000505.4(F12):c.163C>T (p.Arg55Trp)

Gene: F12 (coagulation factor XII; minus strand). Cytogenetic location: 5q35.3.
Variant type: single nucleotide variant.
Coding change: c.163C>T on transcript NM_000505.4 (MANE Select); coding-DNA position 163, C replaced by T.
Protein change: p.Arg55Trp; replaces arginine 55 with tryptophan.
Molecular consequence: missense variant.
Genome position (GRCh38, 1-based): chr5:177,406,014, G>A on the plus strand (C>T on the coding strand, the complement: F12 is on the minus strand). VCF-style: chr5-177406014-G-A. GRCh37 (hg19) VCF-style: chr5-176833015-G-A.
Other names: short protein forms R55W.
Identifiers: ClinVar variation 3091403 (VCV003091403.3), dbSNP rs201132135, ClinGen allele CA3581596.